The following is an entry in ClinVar:

ClinVar aggregate classification (germline): Likely benign. Review status: criteria provided, multiple submitters, no conflicts (2 of 4 stars). 2 submissions from 2 submitters: Likely benign (2). Last evaluated 2025-12-31.

Conditions:
Genitopatellar syndrome (GTPTS). Also called: Genitopatellar syndrome (GPS); ABSENT PATELLAE, SCROTAL HYPOPLASIA, RENAL ANOMALIES, FACIAL DYSMORPHISM, AND MENTAL RETARDATION. Identifiers: Orphanet 85201, MedGen C1853566, MONDO:0011640, OMIM 606170.

Allele frequency attached by ClinVar (database versions not stated): ExAC 0.00001; gnomAD 0.00001; TOPMed 0.00001.
gnomAD v4.1: 79 of 1,613,412 alleles (0.0049%); highest among the groups gnomAD compares: Non-Finnish European, 0.0062%; no homozygotes.

Submissions (2):

Labcorp Genetics (formerly Invitae), Labcorp
Classification: Likely benign for Genitopatellar syndrome. Last evaluated: 2025-12-31. Review status: criteria provided, single submitter. Criteria: Invitae Variant Classification Sherloc (09022015). Collection method: clinical testing. Allele origin: germline.

CeGaT Center for Human Genetics Tuebingen
Classification: Likely benign. Last evaluated: 2022-07-01. Review status: criteria provided, single submitter. Criteria: CeGaT Center For Human Genetics Tuebingen Variant Classification Criteria Version 2. Collection method: clinical testing. Allele origin: germline. Affected: yes. Observed: 1 variant allele.
Comment: KAT6B: BP4, BP7

NM_012330.4(KAT6B):c.465G>A (p.Gly155=)

Gene: KAT6B (lysine acetyltransferase 6B; plus strand). Cytogenetic location: 10q22.2.
Variant type: single nucleotide variant.
Coding change: c.465G>A on transcript NM_012330.4 (MANE Select); coding-DNA position 465, G replaced by A.
Protein change: p.Gly155=; no amino-acid change (glycine 155 retained).
Molecular consequence: synonymous variant. On other transcripts: 5 prime UTR variant (2).
Genome position (GRCh38, 1-based): chr10:74,843,322, G>A. VCF-style: chr10-74843322-G-A. GRCh37 (hg19) VCF-style: chr10-76603080-G-A.
Other names: c.465G>A, p.Gly155= (NM_001256468.2, NM_001256469.2, NM_001370132.1 and 10 more transcripts); c.-74G>A (NM_001370134.1, NM_001370135.1).
Identifiers: ClinVar variation 1131801 (VCV001131801.33), dbSNP rs143630427, ClinGen allele CA5564217.